The following is an entry in ClinVar:

NM_006514.4(SCN10A):c.2441G>A (p.Arg814His)

Gene: SCN10A (sodium voltage-gated channel alpha subunit 10; minus strand). Cytogenetic location: 3p22.2.
Variant type: single nucleotide variant.
Coding change: c.2441G>A on transcript NM_006514.4 (MANE Select); coding-DNA position 2441, G replaced by A.
Protein change: p.Arg814His; replaces arginine 814 with histidine.
Molecular consequence: missense variant.
Genome position (GRCh38, 1-based): chr3:38,728,741, C>T on the plus strand (G>A on the coding strand, the complement: SCN10A is on the minus strand). VCF-style: chr3-38728741-C-T. GRCh37 (hg19) VCF-style: chr3-38770232-C-T.
Other names: c.2441G>A, p.Arg814His (NM_001293306.2); c.2147G>A, p.Arg716His (NM_001293307.2); short protein forms R814H, R716H.
Identifiers: ClinVar variation 420025 (VCV000420025.76), dbSNP rs139861061, ClinGen allele CA2320543.
Genomic context (GRCh38, chr3:38,728,741, plus strand): 5'-TCGTGCATGTGCCAGCGGGGCCAGTCTTCATGGGGCGCGGAGATATTTTTTCGGTTGTTA[C>T]GGTAGTTTTCCCCTAGGAGCTGCTTGCCAACCAGAGCAAAGACAAAGACAATGATGGCCA-3'
Protein context (NP_006505.4, residues 804-824): VGKQLLGENY[Arg814His]NNRKNISAPH

ClinVar aggregate classification (germline): Conflicting classifications of pathogenicity. Review status: criteria provided, conflicting classifications (1 of 4 stars). 13 submissions from 13 submitters: Uncertain significance (8); Likely benign (3). 2 of the submissions do not count toward it. Last evaluated 2026-06-09.

Conditions:
SCN10A-related disorder. Also called: SCN10A-related condition.
Cardiovascular phenotype. Identifiers: MedGen CN230736.
Episodic pain syndrome, familial, 2 (FEPS2). Identifiers: Orphanet 306577, MedGen C3809893, MONDO:0014246, OMIM 615551.
Brugada syndrome. Also called: Sudden Unexplained Death Syndrome; Sudden Unexplained Nocturnal Death Syndrome (SUNDS); Sudden unexpected nocturnal death syndrome; Sudden unexplained nocturnal death syndrome. Identifiers: Orphanet 130, MedGen C1142166, MONDO:0015263.
Brugada syndrome 1 (BRGDA1). Also called: RIGHT BUNDLE BRANCH BLOCK, ST SEGMENT ELEVATION, AND SUDDEN DEATH SYNDROME. Identifiers: Orphanet 130, MedGen C4551804, MONDO:0011001, OMIM 601144.

Allele frequency attached by ClinVar (database versions not stated): 1000 Genomes Project 0.00020; TOPMed 0.00027; gnomAD exomes 0.00028; 1000 Genomes Project 30x 0.00031; ExAC 0.00031; gnomAD 0.00037 and 0.00041; ESP Exome Variant Server 0.00054.
gnomAD v4.1: 771 of 1,614,142 alleles (0.048%); highest among the groups gnomAD compares: Non-Finnish European, 0.058%; 1 homozygote.

Submissions (13):

PreventionGenetics, part of Exact Sciences
Classification: Uncertain significance for SCN10A-related condition. Last evaluated: 2026-06-09. Review status: criteria provided, single submitter. Criteria: ACMG Guidelines, 2015. Collection method: clinical testing. Allele origin: germline.
Comment: The SCN10A c.2441G>A variant is predicted to result in the amino acid substitution p.Arg814His. This variant has been reported in cis with the p.Tyr158Asp variant in two individuals with atrial fibrillation (AF; Savio-Galimberti et al. 2014. PubMed ID: 25053638) and one individual with arrhythmogenic right ventricular dysplasia/cardiomyopathy (ARVD/C) who was also heterozygous for a deletion in PKP2 (Te Riele et al. 2016. PubMed ID: 26733327). This variant has also been reported with p.Tyr158Asp of unknown phase in another individual with AF (Jabbari et al. 2015. PubMed ID: 25691686) and two individuals with painless diabetic peripheral neuropathy (Almomani et al. 2023. PubMed ID: 37175987). In vitro experimental studies demonstrated that this variant led to a ~4-fold increase in peak sodium channel current when expressed in isolation and a ~2.5-fold increase when co-expressed in cis with p.Tyr158Asp (Savio-Galimberti et al. 2014. PubMed ID: 25053638). This variant is reported in 0.049% of alleles in individuals of European (Non-Finnish) descent in gnomAD, often, but not always, co-occurring with p.Tyr158Asp. At this time, the clinical significance of the p.Arg814His variant, both in isolation and as a haplotype with p.Tyr158Asp, is uncertain due to the absence of conclusive functional and genetic evidence.

Labcorp Genetics (formerly Invitae), Labcorp
Classification: Likely benign for Brugada syndrome. Last evaluated: 2026-01-06. Review status: criteria provided, single submitter. Criteria: Invitae Variant Classification Sherloc (09022015). Collection method: clinical testing. Allele origin: germline.

Women's Health and Genetics/Laboratory Corporation of America, LabCorp
Classification: Uncertain significance. Last evaluated: 2025-06-19. Review status: criteria provided, single submitter. Criteria: LabCorp Variant Classification Summary - May 2015. Collection method: clinical testing. Allele origin: germline.
Comment: Variant summary: SCN10A c.2441G>A (p.Arg814His) results in a non-conservative amino acid change in the encoded protein sequence. Algorithms developed to predict the effect of missense changes on protein structure and function are either unavailable or do not agree on the potential impact of this missense change. The variant allele was found at a frequency of 0.00048 in 1607170 control chromosomes, predominantly at a frequency of 0.00058 within the Non-Finnish European subpopulation in the gnomAD database, including 1 homozygote. This frequency is not higher than the estimated maximum for a pathogenic variant in SCN10A, allowing no conclusion about variant significance. Of note, this variant is typically reported in the literature as a complex (i.e. on the same allele) with c.472T>G (p.Tyr158Asp), and variant co-occurrence analysis in gnomAD indicates that these two missense variants are on the same haplotype in most individuals. The two missense variants, c.472T>G (p.Tyr158Asp) and c.2441G>A (p.Arg814His), has been observed together in individuals affected with SCN10A-Related Disorders, including arrhythmia and neuropathy, however no segregation evidence was provided to support causality (e.g. Savio-Galimberti_2014, Jabbari_2015, TeRiele_2016, Almomani_2023). At least one publication reported experimental evidence evaluating an impact on protein function, and demonstrated that both missense variants in isolation and together as a complex, affected sodium channel function, resulting in increased currents, and the two missense seemed to result in an additive effect when expressed together (Savio-Galimberti_2014), however, these results do not allow convincing conclusions about the variant effect. The following publications have been ascertained in the context of this evaluation (PMID: 25053638, 25691686, 26733327, 37175987). ClinVar contains an entry for this variant (Variation ID: 420025). Based on the evidence outlined above, the variant was classified as uncertain significance.

GeneDx
Classification: Uncertain significance. Last evaluated: 2025-02-19. Review status: criteria provided, single submitter. Criteria: GeneDx Variant Classification Process June 2021. Collection method: clinical testing. Allele origin: germline. Affected: yes.
Comment: Reported in individuals with atrial fibrillation, arrhythmogenic right ventricular cardiomyopathy (ARVC), AV nodal reentrant tachycardia, or diabetic peripheral neuropathy, many of whom also harbored the p.(Y158D) variant in the SCN10A gene in either cis or unknown configuration (PMID: 25053638, 25691686, 26733327, 28407228, 29396561, 31638414); Published functional studies demonstrated that p.(R814H) generates a peak sodium current approximately four times larger than wild-type SCN10A channels, and when co-expressed with p.(Y158D), the magnitude of the peak current was close to the sum of the average value of the peak currents of each variant expressed individually, such that both variants are reported to contribute to the electrical property of the channel; however, additional studies are needed to validate the functional effect of this variant in vivo (PMID: 25053638); In silico analysis indicates that this missense variant does not alter protein structure/function; This variant is associated with the following publications: (PMID: 28407228, 25691686, 26733327, 31638414, 29396561, 34426522, 37175987, 25053638)

Blueprint Genetics
Classification: Likely benign. Last evaluated: 2024-06-27. Review status: criteria provided, single submitter. Criteria: ACMG Guidelines, 2015. Collection method: clinical testing. Allele origin: germline.

CeGaT Center for Human Genetics Tuebingen
Classification: Uncertain significance. Last evaluated: 2023-04-01. Review status: criteria provided, single submitter. Criteria: CeGaT Center For Human Genetics Tuebingen Variant Classification Criteria Version 2. Collection method: clinical testing. Allele origin: germline. Affected: yes. Observed: 5 variant alleles.

MGZ Medical Genetics Center
Classification: Uncertain significance for Brugada syndrome 1. Last evaluated: 2021-10-14. Review status: criteria provided, single submitter. Criteria: ACMG Guidelines, 2015. Collection method: clinical testing. Allele origin: germline. Affected: yes. Observed: 2 variant alleles.
Comment: ACMG criteria applied: PP3

Fulgent Genetics
Classification: Uncertain significance for Episodic pain syndrome, familial, 2. Last evaluated: 2021-08-02. Review status: criteria provided, single submitter. Criteria: ACMG Guidelines, 2015. Collection method: clinical testing. Allele origin: unknown.

Mayo Clinic Laboratories, Mayo Clinic
Classification: Uncertain significance. Last evaluated: 2019-11-24. Review status: criteria provided, single submitter. Criteria: ACMG Guidelines, 2015. Collection method: clinical testing. Allele origin: germline. Observed: 1 variant allele.

Ambry Genetics
Classification: Likely benign for Cardiovascular phenotype. Last evaluated: 2019-10-31. Review status: criteria provided, single submitter. Criteria: Ambry Variant Classification Scheme 2023. Collection method: clinical testing. Allele origin: germline.

Stanford Center for Inherited Cardiovascular Disease, Stanford University
Classification: Uncertain significance. Last evaluated: 2018-01-24. Review status: criteria provided, single submitter. Criteria: ACMG Guidelines, 2015. Collection method: provider interpretation. Allele origin: germline.

Clinical Genetics, Academic Medical Center
Classification: Uncertain significance. Review status: no assertion criteria provided. Collection method: clinical testing. Allele origin: germline. Affected: yes. Study: VKGL Data-share Consensus. Not counted in ClinVar's aggregate classification.

Joint Genome Diagnostic Labs from Nijmegen and Maastricht, Radboudumc and MUMC+
Classification: Uncertain significance. Review status: no assertion criteria provided. Collection method: clinical testing. Allele origin: germline. Affected: yes. Study: VKGL Data-share Consensus. Not counted in ClinVar's aggregate classification.

Literature cited by the submitters: PubMed 37175987 (cited by Women's Health and Genetics/Laboratory Corporation of America, LabCorp); PubMed 25691686 (cited by Women's Health and Genetics/Laboratory Corporation of America, LabCorp); PubMed 25053638 (cited by Women's Health and Genetics/Laboratory Corporation of America, LabCorp and Ambry Genetics); PubMed 26733327 (cited by Women's Health and Genetics/Laboratory Corporation of America, LabCorp and Ambry Genetics).